The following is an entry in ClinVar:

NM_000179.3(MSH6):c.2124_2126dup (p.Tyr709Ter)

Gene: MSH6 (mutS homolog 6; plus strand). Cytogenetic location: 2p16.3.
Variant type: Duplication.
Coding change: c.2124_2126dup on transcript NM_000179.3 (MANE Select); coding-DNA positions 2124 to 2126, 3 bases duplicated (ATA; older notation c.2124_2126dupATA).
Protein change: p.Tyr709Ter; replaces tyrosine 709 with a stop codon.
Molecular consequence: nonsense.
Genome position (GRCh38, 1-based): chr2:47,800,107-47,800,109, ATA duplicated; duplicating any 3 consecutive bases within chr2:47,800,106-47,800,109 gives the same sequence; the c. name uses the placement nearest the transcript's 3' end. VCF-style (leftmost placement, unchanged base first): chr2-47800105-G-GAAT. GRCh37 (hg19) VCF-style: chr2-48027244-G-GAAT.
Other names: c.1734_1736dup, p.Tyr579Ter (NM_001281492.2); c.1218_1220dup, p.Tyr407Ter (NM_001281493.2, NM_001281494.2); c.2124_2126dupATA (NM_000179.2); short protein forms Y579*, Y407*, Y709*.
Identifiers: ClinVar variation 633320 (VCV000633320.3), dbSNP rs1558664335, ClinGen allele CA913190111.
Genomic context (GRCh38, chr2:47,800,105, plus strand): 5'-GTCTTCTACCTCAAAAAATGCCTTATTGATCAGGAGCTTTTATCAATGGCTAATTTTGAA[G>GAAT]AATATATTCCCTTGGATTCTGACACAGTCAGCACTACAAGATCTGGTGCTATCTTCACCA-3'

ClinVar aggregate classification (germline): Pathogenic/Likely pathogenic. Review status: criteria provided, multiple submitters, no conflicts (2 of 4 stars). 2 submissions from 2 submitters: Pathogenic (1); Likely pathogenic (1). Last evaluated 2018-04-30.

Conditions:
Hereditary cancer-predisposing syndrome. Also called: Tumor predisposition; Neoplastic Syndromes, Hereditary; Hereditary neoplastic syndrome; Hereditary Cancer Syndrome. Identifiers: Orphanet 140162, MedGen C0027672, MeSH D009386, MONDO:0015356.
Lynch syndrome. Identifiers: Orphanet 144, MedGen C4552100, MONDO:0005835. Disease mechanism: loss of function.

Submissions (2):

Women's Health and Genetics/Laboratory Corporation of America, LabCorp
Classification: Likely pathogenic for Lynch syndrome. Last evaluated: 2018-04-30. Review status: criteria provided, single submitter. Criteria: LabCorp Variant Classification Summary - May 2015. Collection method: clinical testing. Allele origin: germline.
Comment: Variant summary: MSH6 c.2124_2126dupATA (p.Tyr709X) results in a premature termination codon, predicted to cause a truncation of the encoded protein or absence of the protein due to nonsense mediated decay, which are commonly known mechanisms for disease. Truncations downstream of this position have been classified as pathogenic by our laboratory (eg. c.2230dupG/p.Glu744fsX12, c.2731C>T/p.Arg911X). The variant was absent in 121150 control chromosomes. To our knowledge, no occurrence of c.2124_2126dupATA in individuals affected with Lynch Syndrome and no experimental evidence demonstrating its impact on protein function have been reported. No clinical diagnostic laboratories have submitted clinical-significance assessments for this variant to ClinVar after 2014. Based on the evidence outlined above, the variant was classified as likely pathogenic.

Ambry Genetics
Classification: Pathogenic for Hereditary cancer-predisposing syndrome. Last evaluated: 2018-03-09. Review status: criteria provided, single submitter. Criteria: Ambry Variant Classification Scheme 2023. Collection method: clinical testing. Allele origin: germline.
Comment: The c.2124_2126dupATA variant (also known as p.Y709*), located in coding exon 4 of the MSH6 gene, results from an in-frame duplication of ATA at nucleotide positions 2124 to 2126. This changes the amino acid from a tyrosine to a stop codon within coding exon 4. This alteration is expected to result in loss of function by premature protein truncation or nonsense-mediated mRNA decay. As such, this alteration is interpreted as a disease-causing mutation.